The following is an entry in ClinVar:

NM_000057.4(BLM):c.507T>G (p.Phe169Leu)

Gene: BLM (BLM RecQ like helicase; plus strand). Cytogenetic location: 15q26.1.
Variant type: single nucleotide variant.
Coding change: c.507T>G on transcript NM_000057.4 (MANE Select); coding-DNA position 507, T replaced by G.
Protein change: p.Phe169Leu; replaces phenylalanine 169 with leucine.
Molecular consequence: missense variant. On other transcripts: 5 prime UTR variant (1).
Genome position (GRCh38, 1-based): chr15:90,749,775, T>G. VCF-style: chr15-90749775-T-G. GRCh37 (hg19) VCF-style: chr15-91293005-T-G.
Other names: c.507T>G, p.Phe169Leu (NM_001287246.2, NM_001287247.2); c.-785T>G (NM_001287248.2); short protein forms F169L.
Identifiers: ClinVar variation 2122356 (VCV002122356.4), dbSNP rs1596218665, ClinGen allele CA393840938.

ClinVar aggregate classification (germline): Uncertain significance (1 of 4 stars; one submission).

Conditions:
Bloom syndrome (BLM). Also called: Bloom-Torre-Machacek syndrome. Identifiers: Orphanet 125, MedGen C0005859, MONDO:0008876, OMIM 210900.

Submission:

Labcorp Genetics (formerly Invitae), Labcorp
Classification: Uncertain significance for Bloom syndrome. Last evaluated: 2022-09-07. Review status: criteria provided, single submitter. Criteria: Invitae Variant Classification Sherloc (09022015). Collection method: clinical testing. Allele origin: germline.
Comment: This sequence change replaces phenylalanine, which is neutral and non-polar, with leucine, which is neutral and non-polar, at codon 169 of the BLM protein (p.Phe169Leu). In summary, the available evidence is currently insufficient to determine the role of this variant in disease. Therefore, it has been classified as a Variant of Uncertain Significance. Algorithms developed to predict the effect of missense changes on protein structure and function output the following: SIFT: "Tolerated"; PolyPhen-2: "Benign"; Align-GVGD: "Class C0". The leucine amino acid residue is found in multiple mammalian species, which suggests that this missense change does not adversely affect protein function. This variant has not been reported in the literature in individuals affected with BLM-related conditions. This variant is not present in population databases (gnomAD no frequency).